The following is an entry in ClinVar:

NM_005591.4(MRE11):c.356_357insCAA (p.Ser119_Ile120insLys)

Gene: MRE11 (MRE11 double strand break repair nuclease; minus strand). Cytogenetic location: 11q21.
Variant type: Insertion.
Coding change: c.356_357insCAA on transcript NM_005591.4 (MANE Select); coding-DNA positions 356 to 357, CAA inserted.
Protein change: p.Ser119_Ile120insLys.
Molecular consequence: inframe insertion.
Genome position: GRCh38 VCF-style: chr11-94479719-T-TTTG. GRCh37 (hg19) VCF-style: chr11-94212885-T-TTTG.
Other names: c.356_357insCAA, p.Ser119_Ile120insLys (NM_001330347.2, NM_005590.4).
Identifiers: ClinVar variation 1799990 (VCV001799990.2), dbSNP rs2496567433, ClinGen allele CA2580085093.

ClinVar aggregate classification (germline): Uncertain significance (1 of 4 stars; one submission).

Conditions:
Hereditary cancer-predisposing syndrome. Also called: Neoplastic Syndromes, Hereditary; Tumor predisposition; Hereditary Cancer Syndrome; Hereditary neoplastic syndrome. Identifiers: Orphanet 140162, MedGen C0027672, MeSH D009386, MONDO:0015356.

Submission:

Ambry Genetics
Classification: Uncertain significance for Hereditary cancer-predisposing syndrome. Last evaluated: 2020-08-21. Review status: criteria provided, single submitter. Criteria: Ambry Variant Classification Scheme 2023. Collection method: clinical testing. Allele origin: germline.
Comment: The c.356_357insCAA variant (also known as p.S119_I120insK), located in coding exon 4 of the MRE11A gene, results from an in-frame CAA insertion at nucleotide positions 356 to 357. This results in the insertion of an extra lysine residue between codons 119 and 120. This amino acid position is highly conserved in available vertebrate species. In addition, this alteration is predicted to be deleterious by in silico analysis (Choi Y et al. PLoS ONE. 2012; 7(10):e46688). Since supporting evidence is limited at this time, the clinical significance of this alteration remains unclear.